The following is an entry in ClinVar:

NM_001040716.2(PC):c.262C>T (p.Arg88Cys)

Gene: PC (pyruvate carboxylase; minus strand). Cytogenetic location: 11q13.2.
Variant type: single nucleotide variant.
Coding change: c.262C>T on transcript NM_001040716.2 (MANE Select); coding-DNA position 262, C replaced by T.
Protein change: p.Arg88Cys; replaces arginine 88 with cysteine.
Molecular consequence: missense variant.
Genome position (GRCh38, 1-based): chr11:66,871,746, G>A on the plus strand (C>T on the coding strand, the complement: PC is on the minus strand). VCF-style: chr11-66871746-G-A. GRCh37 (hg19) VCF-style: chr11-66639217-G-A.
Other names: c.262C>T, p.Arg88Cys (NM_000920.4, NM_001439352.1, NM_001439353.1 and 5 more transcripts); short protein forms R88C.
Identifiers: ClinVar variation 5004961 (VCV005004961.2).
Genomic context (GRCh38, chr11:66,871,746, plus strand): 5'-CCTTGGCCACCTTGATGATGTCTGGGATGTGCAGGTAGGCCTGCACGGGGGCCAGGCCGC[G>A]GCCGATGAGATAGGCTTCATCTGCTTTCTGCCGGTGCATCTGGCCCGTGTCCTGCTCAGA-3'
Protein context (NP_001035806.1, residues 78-98): QKADEAYLIG[Arg88Cys]GLAPVQAYLH

ClinVar aggregate classification (germline): Uncertain significance (1 of 4 stars; one submission).

Conditions:
Pyruvate carboxylase deficiency. Also called: ATAXIA WITH LACTIC ACIDOSIS II; Pyruvate Carboxylase Deficiency Disease; PC DEFICIENCY; LEIGH NECROTIZING ENCEPHALOPATHY DUE TO PYRUVATE CARBOXYLASE DEFICIENCY; LEIGH SYNDROME DUE TO PYRUVATE CARBOXYLASE DEFICIENCY. Identifiers: Orphanet 3008, MedGen C0034341, MONDO:0009949, OMIM 266150.

Submission:

Juno Genomics, Hangzhou Juno Genomics, Inc
Classification: Uncertain significance for Pyruvate carboxylase deficiency. Review status: criteria provided, single submitter. Criteria: ACMG Guidelines, 2015. Collection method: clinical testing. Allele origin: germline.
Comment: Missense variant in a gene that has a low rate of benign missense variation.;Multiple lines of computational evidence support a deleterious effect on the gene or gene product.;Absent from controls (or at extremely low frequency if recessive) in Genome Aggregation Database.